The following is an entry in ClinVar:

ClinVar aggregate classification (germline): Pathogenic/Likely pathogenic. Review status: criteria provided, multiple submitters, no conflicts (2 of 4 stars). 9 submissions from 9 submitters: Pathogenic (8); Likely pathogenic (1). Last evaluated 2026-01-09.

Conditions:
Maple syrup urine disease type 1A (MSUD1A). Also called: MSUD type 1A. Identifiers: MedGen C1855369, MONDO:0023691, OMIM 248600.
Maple syrup urine disease (MSUD). Identifiers: Orphanet 511, MedGen C0024776, MeSH D008375, MONDO:0009563. Disease mechanism: loss of function.

Allele frequency attached by ClinVar (database versions not stated): gnomAD exomes below 0.00001 and 0.00001; ExAC 0.00001; gnomAD 0.00001; TOPMed 0.00002.
gnomAD v4.1: 14 of 1,613,108 alleles (0.00087%); highest among the groups gnomAD compares: Middle Eastern, 0.017%; no homozygotes.

Submissions (9):

Natera, Inc.
Classification: Pathogenic for Maple syrup urine disease type 1A. Last evaluated: 2026-01-09. Review status: criteria provided, single submitter. Criteria: Natera Variant Classification Schema (03/2026). Collection method: clinical testing. Allele origin: germline.
Comment: The c.647-1G>C variant in BCKDHA is a canonical splice acceptor site variant predicted to affect pre-mRNA splicing, which may result in an abnormal transcript and altered protein product. This variant is expected to result in nonsense mediated decay, truncation, or a dysfunctional protein product. This variant is rare in the general population with a frequency below the threshold expected for the associated phenotype(s). This variant has been observed in one or more individuals affected with the associated recessive disease, as either homozygous or compound heterozygous with a second variant (PMID: 28417071, 19715473). Given the available evidence, this variant is classified as Pathogenic.

Labcorp Genetics (formerly Invitae), Labcorp
Classification: Pathogenic for Maple syrup urine disease. Last evaluated: 2025-11-27. Review status: criteria provided, single submitter. Criteria: Invitae Variant Classification Sherloc (09022015). Collection method: clinical testing. Allele origin: germline.
Comment: This sequence change affects an acceptor splice site in intron 5 of the BCKDHA gene. It is expected to disrupt RNA splicing. Variants that disrupt the donor or acceptor splice site typically lead to a loss of protein function (PMID: 16199547), and loss-of-function variants in BCKDHA are known to be pathogenic (PMID: 16786533, 22593002). This variant is present in population databases (rs753216964, gnomAD 0.0009%). Disruption of this splice site has been observed in individuals with maple syrup urine disease (PMID: 19715473, 31980395). This variant is also known as IVS5-1G>C. ClinVar contains an entry for this variant (Variation ID: 431985). Algorithms developed to predict the effect of sequence changes on RNA splicing suggest that this variant may disrupt the consensus splice site. For these reasons, this variant has been classified as Pathogenic.

Fulgent Genetics
Classification: Likely pathogenic for Maple syrup urine disease type 1A. Last evaluated: 2024-06-04. Review status: criteria provided, single submitter. Criteria: ACMG Guidelines, 2015. Collection method: clinical testing. Allele origin: germline.

Baylor Genetics
Classification: Pathogenic for Maple syrup urine disease type 1A. Last evaluated: 2023-08-18. Review status: criteria provided, single submitter. Criteria: ACMG Guidelines, 2015. Collection method: clinical testing. Allele origin: unknown.

Revvity Omics, Revvity
Classification: Pathogenic for Maple syrup urine disease type 1A. Last evaluated: 2021-12-21. Review status: criteria provided, single submitter. Criteria: ACMG Guidelines, 2015. Collection method: clinical testing. Allele origin: germline.

Myriad Genetics, Inc.
Classification: Pathogenic for Maple syrup urine disease type 1A. Last evaluated: 2021-11-16. Review status: criteria provided, single submitter. Criteria: Myriad Women's Health Autosomal Recessive and X-Linked Classification Criteria (2021). Collection method: clinical testing. Allele origin: unknown.
Comment: NM_000709.3(BCKDHA):c.647-1G>C is a canonical splice variant classified as pathogenic in the context of maple syrup urine disease type Ia. c.647-1G>C has been observed in cases with relevant disease (PMID: 19715473, 31980395, 28417071). Functional assessments of this variant are not available in the literature. c.647-1G>C has been observed in population frequency databases (ExAC: 0.002%). In summary, NM_000709.3(BCKDHA):c.647-1G>C is a canonical splice variant that has internal structural support for pathogenicity and has been observed more frequently in cases with the relevant disease than in healthy populations. Please note: this variant was assessed in the context of healthy population screening.

Genome-Nilou Lab
Classification: Pathogenic for Maple syrup urine disease type 1A. Last evaluated: 2021-11-07. Review status: criteria provided, single submitter. Criteria: ACMG Guidelines, 2015. Collection method: clinical testing. Allele origin: germline. Affected: no.

Women's Health and Genetics/Laboratory Corporation of America, LabCorp
Classification: Pathogenic for Maple syrup urine disease. Last evaluated: 2020-02-24. Review status: criteria provided, single submitter. Criteria: LabCorp Variant Classification Summary - May 2015. Collection method: clinical testing. Allele origin: germline.
Comment: Variant summary: BCKDHA c.647-1G>C is located in a canonical splice-site and is predicted to affect mRNA splicing resulting in a significantly altered protein due to either exon skipping, shortening, or inclusion of intronic material. Several computational tools predict a significant impact on normal splicing: Four predict the variant abolishes a 3' acceptor site. However, these predictions have yet to be confirmed by functional studies. The variant allele was found at a frequency of 4e-06 in 248460 control chromosomes. c.647-1G>C has been reported in the literature in individuals affected with Maple syrup urine disease (Strauss_2006, Georgiou_2009). These data indicate that the variant is likely to be associated with disease. At least one publication reports experimental evidence evaluating an impact on protein function. The most pronounced variant effect results in <10% of normal activity. Three clinical diagnostic laboratories have submitted clinical-significance assessments for this variant to ClinVar after 2014 without evidence for independent evaluation. All laboratories classified the variant as pathogenic/likely pathogenic. Based on the evidence outlined above, the variant was classified as pathogenic.

GeneDx
Classification: Pathogenic. Last evaluated: 2019-05-21. Review status: criteria provided, single submitter. Criteria: GeneDx Variant Classification Process June 2021. Collection method: clinical testing. Allele origin: germline. Affected: yes.
Comment: Canonical splice site variant predicted to result in an in-frame deletion of a critical region.; Not observed at a significant frequency in large population cohorts (Lek et al., 2016); This variant is associated with the following publications: (PMID: 19715473, 28417071, 25525159, 29789446, 26901124, 31980395)

Literature cited by the submitters: PubMed 28417071 (cited by Natera, Inc. and Myriad Genetics, Inc.); PubMed 19715473 (cited by 4 submitters); PubMed 16199547 (cited by Labcorp Genetics (formerly Invitae), Labcorp); PubMed 16786533 (cited by Labcorp Genetics (formerly Invitae), Labcorp); PubMed 22593002 (cited by Labcorp Genetics (formerly Invitae), Labcorp); PubMed 31980395 (cited by Labcorp Genetics (formerly Invitae), Labcorp and Myriad Genetics, Inc.); PubMed 16468966 (cited by Women's Health and Genetics/Laboratory Corporation of America, LabCorp).

NM_000709.4(BCKDHA):c.647-1G>C

Gene: BCKDHA (branched chain keto acid dehydrogenase E1 subunit alpha; plus strand). Cytogenetic location: 19q13.2.
Variant type: single nucleotide variant.
Coding change: c.647-1G>C on transcript NM_000709.4 (MANE Select); the canonical splice acceptor site of the intron before coding-DNA position 647, G replaced by C.
Molecular consequence: splice acceptor variant.
Genome position (GRCh38, 1-based): chr19:41,422,163, G>C. VCF-style: chr19-41422163-G-C. GRCh37 (hg19) VCF-style: chr19-41928068-G-C.
Other names: c.647-1G>C (NM_001164783.1, NM_001164783.2).
Identifiers: ClinVar variation 431985 (VCV000431985.23), dbSNP rs753216964, ClinGen allele CA9461229.
Genomic context (GRCh38, chr19:41,422,163, plus strand): 5'-TGAATGAGTGTGAGTGCATGTGAGTCTCCGCCCCTGCTCACCACCCTCTCATCCCCTGCA[G>C]CGGTGGGGGCGGCGTACGCAGCCAAGCGGGCCAATGCCAACAGGGTCGTCATCTGTTACT-3'